The following is an entry in ClinVar:

NM_001267550.2(TTN):c.93043G>C (p.Asp31015His)

Genes: TTN (titin; minus strand), TTN-AS1 (TTN antisense RNA 1; plus strand). Cytogenetic location: 2q31.2.
Variant type: single nucleotide variant.
Coding change: c.93043G>C on transcript NM_001267550.2 (MANE Select); coding-DNA position 93043, G replaced by C.
Protein change: p.Asp31015His; replaces aspartic acid 31015 with histidine.
Molecular consequence: missense variant.
Genome position (GRCh38, 1-based): chr2:178,548,583, C>G on the plus strand (G>C on the coding strand, the complement: TTN is on the minus strand). VCF-style: chr2-178548583-C-G. GRCh37 (hg19) VCF-style: chr2-179413310-C-G.
Other names: c.88120G>C, p.Asp29374His (NM_001256850.1); c.65848G>C, p.Asp21950His (NM_003319.4); c.85339G>C, p.Asp28447His (NM_133378.4); c.66223G>C, p.Asp22075His (NM_133432.3); c.66424G>C, p.Asp22142His (NM_133437.4); short protein forms D21950H, D22075H, D22142H, D28447H, D29374H, D31015H.
Identifiers: ClinVar variation 2441805 (VCV002441805.2), dbSNP rs1006806821, ClinGen allele CA60974075.

ClinVar aggregate classification (germline): Conflicting classifications of pathogenicity. Review status: criteria provided, conflicting classifications (1 of 4 stars). 7 submissions from 2 submitters: Uncertain significance (6); Likely benign (1). Last evaluated 2025-07-24.

Conditions:
Myopathy, myofibrillar, 9, with early respiratory failure (MFM9). Also called: EDSTROM MYOPATHY; MYOPATHY, PROXIMAL, WITH EARLY RESPIRATORY MUSCLE INVOLVEMENT; Hereditary myopathy with early respiratory failure; Myopathy, distal, with early respiratory failure, autosomal dominant. Identifiers: Orphanet 178464, Orphanet 34521, MedGen C1863599, MONDO:0011362, OMIM 603689.
Early-onset myopathy with fatal cardiomyopathy (CMYO5). Also called: CONGENITAL MYOPATHY 5 WITH CARDIOMYOPATHY; Salih Myopathy. Identifiers: Orphanet 289377, MedGen C2673677, MONDO:0012714, OMIM 611705. Disease mechanism: loss of function.
Hypertrophic cardiomyopathy 9. Also called: Familial hypertrophic cardiomyopathy 9. Identifiers: MedGen C1861065, MONDO:0013412, OMIM 613765.
Dilated cardiomyopathy 1G (CMD1G). Identifiers: Orphanet 154, MedGen C1858763, MONDO:0011400, OMIM 604145.
Tibial muscular dystrophy (TMD). Also called: UDD MYOPATHY; Tibial muscular dystrophy, tardive; Udd Distal Myopathy – Tibial Muscular Dystrophy. Identifiers: Orphanet 609, MedGen C1838244, MONDO:0010870, OMIM 600334.
Autosomal recessive limb-girdle muscular dystrophy type 2J (LGMDR10). Also called: Limb-girdle muscular dystrophy, type 2J; MUSCULAR DYSTROPHY, LIMB-GIRDLE, AUTOSOMAL RECESSIVE 10. Identifiers: Orphanet 140922, MedGen C1837342, MONDO:0012127, OMIM 608807.

Allele frequency attached by ClinVar (database versions not stated): gnomAD exomes below 0.00001; gnomAD 0.00003; TOPMed 0.00003.
gnomAD v4.1: 8 of 1,613,760 alleles (0.0005%); highest among the groups gnomAD compares: African/African-American, 0.008%; no homozygotes.

Submissions (7):

Molecular Diagnostic Laboratory for Inherited Cardiovascular Disease, Montreal Heart Institute
Classification: Likely benign. Last evaluated: 2025-07-24. Review status: criteria provided, single submitter. Criteria: ACMG Guidelines, 2015. Collection method: clinical testing. Allele origin: germline. Affected: no.
Comment: BP1

Baylor Genetics
Classification: Uncertain significance for Early-onset myopathy with fatal cardiomyopathy. Last evaluated: 2021-02-05. Review status: criteria provided, single submitter. Criteria: ACMG Guidelines, 2015. Collection method: clinical testing. Allele origin: unknown.

Baylor Genetics
Classification: Uncertain significance for Autosomal recessive limb-girdle muscular dystrophy type 2J. Last evaluated: 2021-02-05. Review status: criteria provided, single submitter. Criteria: ACMG Guidelines, 2015. Collection method: clinical testing. Allele origin: unknown.

Baylor Genetics
Classification: Uncertain significance for Tibial muscular dystrophy. Last evaluated: 2021-02-05. Review status: criteria provided, single submitter. Criteria: ACMG Guidelines, 2015. Collection method: clinical testing. Allele origin: unknown.

Baylor Genetics
Classification: Uncertain significance for Myopathy, myofibrillar, 9, with early respiratory failure. Last evaluated: 2021-02-05. Review status: criteria provided, single submitter. Criteria: ACMG Guidelines, 2015. Collection method: clinical testing. Allele origin: unknown.

Baylor Genetics
Classification: Uncertain significance for Dilated cardiomyopathy 1G. Last evaluated: 2021-02-05. Review status: criteria provided, single submitter. Criteria: ACMG Guidelines, 2015. Collection method: clinical testing. Allele origin: unknown.

Baylor Genetics
Classification: Uncertain significance for Hypertrophic cardiomyopathy 9. Last evaluated: 2021-02-05. Review status: criteria provided, single submitter. Criteria: ACMG Guidelines, 2015. Collection method: clinical testing. Allele origin: unknown.